The following is an entry in ClinVar:

ClinVar aggregate classification (germline): Likely benign. Review status: criteria provided, multiple submitters, no conflicts (2 of 4 stars). 3 submissions from 3 submitters: Likely benign (3). Last evaluated 2025-11-17.

Conditions:
Charcot-Marie-Tooth disease axonal type 2O. Also called: Charcot-Marie-Tooth Neuropathy Type 2O; CHARCOT-MARIE-TOOTH NEUROPATHY, AXONAL, TYPE 2O; CHARCOT-MARIE-TOOTH DISEASE, AXONAL, AUTOSOMAL DOMINANT, TYPE 2O; Charcot-Marie-Tooth disease, axonal, type 20. Identifiers: Orphanet 284232, MedGen C3280220, MONDO:0013644, OMIM 614228.

Allele frequency attached by ClinVar (database versions not stated): ExAC 0.00002; gnomAD 0.00002; gnomAD exomes 0.00002; TOPMed 0.00003; ESP Exome Variant Server 0.00008.
gnomAD v4.1: 32 of 1,613,818 alleles (0.002%); highest among the groups gnomAD compares: Admixed American, 0.0083%; no homozygotes.

Submissions (3):

Labcorp Genetics (formerly Invitae), Labcorp
Classification: Likely benign for Charcot-Marie-Tooth disease axonal type 2O. Last evaluated: 2025-11-17. Review status: criteria provided, single submitter. Criteria: Invitae Variant Classification Sherloc (09022015). Collection method: clinical testing. Allele origin: germline.

Blueprint Genetics
Classification: Likely benign. Last evaluated: 2024-08-15. Review status: criteria provided, single submitter. Criteria: ACMG Guidelines, 2015. Collection method: clinical testing. Allele origin: germline.

GeneDx
Classification: Likely benign. Last evaluated: 2017-07-05. Review status: criteria provided, single submitter. Criteria: GeneDx Variant Classification (06012015). Collection method: clinical testing. Allele origin: germline. Affected: yes.
Comment: This variant is considered likely benign or benign based on one or more of the following criteria: it is a conservative change, it occurs at a poorly conserved position in the protein, it is predicted to be benign by multiple in silico algorithms, and/or has population frequency not consistent with disease.

NM_001376.5(DYNC1H1):c.4185+16C>T

Gene: DYNC1H1 (dynein cytoplasmic 1 heavy chain 1; plus strand). Cytogenetic location: 14q32.31.
Variant type: single nucleotide variant.
Coding change: c.4185+16C>T on transcript NM_001376.5 (MANE Select); 16 bases into the intron after coding-DNA position 4185, C replaced by T.
Molecular consequence: intron variant.
Genome position (GRCh38, 1-based): chr14:102,001,080, C>T. VCF-style: chr14-102001080-C-T. GRCh37 (hg19) VCF-style: chr14-102467417-C-T.
Identifiers: ClinVar variation 510554 (VCV000510554.9), dbSNP rs375613946, ClinGen allele CA7352184.